The following is an entry in ClinVar:

NM_197968.4(ZMYM2):c.467C>T (p.Ser156Phe)

Gene: ZMYM2 (zinc finger MYM-type containing 2; plus strand). Cytogenetic location: 13q12.11.
Variant type: single nucleotide variant.
Coding change: c.467C>T on transcript NM_197968.4 (MANE Select); coding-DNA position 467, C replaced by T.
Protein change: p.Ser156Phe; replaces serine 156 with phenylalanine.
Molecular consequence: missense variant. On other transcripts: non-coding transcript variant (1).
Genome position (GRCh38, 1-based): chr13:19,993,539, C>T. VCF-style: chr13-19993539-C-T. GRCh37 (hg19) VCF-style: chr13-20567679-C-T.
Other names: c.467C>T, p.Ser156Phe (NM_001190964.4, NM_001190965.4, NM_001353157.2 and 6 more transcripts); c.533C>T, p.Ser178Phe (NM_001353161.3); short protein forms S156F, S178F.
Identifiers: ClinVar variation 3371584 (VCV003371584.1).

ClinVar aggregate classification (germline): Uncertain significance (1 of 4 stars; one submission).

Submission:

GeneDx
Classification: Uncertain significance. Last evaluated: 2024-03-25. Review status: criteria provided, single submitter. Criteria: GeneDx Variant Classification Process June 2021. Collection method: clinical testing. Allele origin: germline. Affected: yes.
Comment: Has not been previously published as pathogenic or benign to our knowledge; Not observed at significant frequency in large population cohorts (gnomAD); In silico analysis supports that this missense variant has a deleterious effect on protein structure/function